The following is an entry in ClinVar:

NM_007294.4(BRCA1):c.1895G>A (p.Ser632Asn)

Gene: BRCA1 (BRCA1 DNA repair associated; minus strand). Cytogenetic location: 17q21.31.
Variant type: single nucleotide variant.
Coding change: c.1895G>A on transcript NM_007294.4 (MANE Select); coding-DNA position 1895, G replaced by A.
Protein change: p.Ser632Asn; replaces serine 632 with asparagine.
Molecular consequence: missense variant. On other transcripts: intron variant (137).
Genome position (GRCh38, 1-based): chr17:43,093,636, C>T on the plus strand (G>A on the coding strand, the complement: BRCA1 is on the minus strand). VCF-style: chr17-43093636-C-T. GRCh37 (hg19) VCF-style: chr17-41245653-C-T.
Other names: c.1682G>A, p.Ser561Asn (NM_001407571.1, NM_001407853.1, NM_001407894.1 and 9 more transcripts); c.1895G>A, p.Ser632Asn (NM_001407581.1, NM_001407582.1, NM_001407583.1 and 30 more transcripts); c.1892G>A, p.Ser631Asn (NM_001407587.1, NM_001407590.1, NM_001407591.1 and 22 more transcripts); c.1886G>A, p.Ser629Asn (NM_001407646.1, NM_001407647.1); c.1772G>A, p.Ser591Asn (NM_001407648.1, NM_001407664.1, NM_001407665.1 and 19 more transcripts); c.1769G>A, p.Ser590Asn (NM_001407649.1, NM_001407670.1, NM_001407671.1 and 11 more transcripts); c.1817G>A, p.Ser606Asn (NM_001407653.1, NM_001407654.1, NM_001407655.1 and 4 more transcripts); c.1814G>A, p.Ser605Asn (NM_001407659.1, NM_001407660.1, NM_001407661.1 and 1 more transcripts); and 40 more; short protein forms S632N, S585N, S544N, S562N, S605N, S336N, S561N, S564N.
Identifiers: ClinVar variation 54385 (VCV000054385.32), dbSNP rs80356983, ClinGen allele CA001235.

ClinVar aggregate classification (germline): Conflicting classifications of pathogenicity. Review status: criteria provided, conflicting classifications (1 of 4 stars). 11 submissions from 11 submitters: Uncertain significance (7); Benign (1); Likely benign (1). 2 of the submissions do not count toward it. Last evaluated 2025-05-13.

Conditions:
BRCA1-related disorder. Also called: BRCA1-related condition.
Hereditary cancer-predisposing syndrome. Also called: Tumor predisposition; Neoplastic Syndromes, Hereditary; Hereditary Cancer Syndrome; Hereditary neoplastic syndrome. Identifiers: Orphanet 140162, MedGen C0027672, MeSH D009386, MONDO:0015356.
Hereditary breast ovarian cancer syndrome. Also called: Hereditary breast and ovarian cancer syndrome (HBOC); Hereditary breast and ovarian cancer syndrome; Hereditary breast and ovarian cancer; Hereditary breast and/or ovarian cancer syndrome; Breast and ovarian cancer; BRCA1- and BRCA2-Associated Hereditary Breast and Ovarian Cancer. Identifiers: Orphanet 145, MedGen C0677776, MeSH D061325, MONDO:0003582. Disease mechanism: loss of function.
Breast-ovarian cancer, familial, susceptibility to, 1 (BROVCA1). Also called: OVARIAN CANCER, SUSCEPTIBILITY TO; BRCA1 Hereditary Breast and Ovarian Cancer. Identifiers: Orphanet 145, MedGen C2676676, MONDO:0011450, OMIM 604370. Disease mechanism: loss of function.

Allele frequency attached by ClinVar (database versions not stated): gnomAD exomes below 0.00001; TOPMed 0.00001.
gnomAD v4.1: 4 of 1,613,982 alleles (0.00025%); highest among the groups gnomAD compares: Middle Eastern, 0.033%; no homozygotes.

Submissions (11):

Color Diagnostics, LLC DBA Color Health
Classification: Uncertain significance for Hereditary cancer-predisposing syndrome. Last evaluated: 2025-05-13. Review status: criteria provided, single submitter. Criteria: ACMG Guidelines, 2015. Collection method: clinical testing. Allele origin: germline.
Comment: This missense variant replaces serine with asparagine at codon 632 of the BRCA1 protein. Computational prediction suggests that this variant may not impact protein structure and function. To our knowledge, functional studies have not been reported for this variant. This variant has been reported in 2 individuals affected with breast or ovarian cancer (PMID: 32438681) and in a breast cancer case-control meta-analysis in 1/60466 cases and 0/53461 unaffected individuals (PMID: 33471991Leiden Open Variation Database DB-ID BRCA1_000173). This variant has been identified in 1/251112 chromosomes in the general population by the Genome Aggregation Database (gnomAD). The available evidence is insufficient to determine the role of this variant in disease conclusively. Therefore, this variant is classified as a Variant of Uncertain Significance.

Labcorp Genetics (formerly Invitae), Labcorp
Classification: Benign for Hereditary breast ovarian cancer syndrome. Last evaluated: 2025-03-07. Review status: criteria provided, single submitter. Criteria: Invitae Variant Classification Sherloc (09022015). Collection method: clinical testing. Allele origin: germline.

ARUP Laboratories, Molecular Genetics and Genomics, ARUP Laboratories
Classification: Uncertain significance. Last evaluated: 2024-09-16. Review status: criteria provided, single submitter. Criteria: ARUP Molecular Germline Variant Investigation Process 2024. Collection method: clinical testing. Allele origin: germline.
Comment: The BRCA1 c.1895G>A; p.Ser632Asn variant (rs80356983, ClinVar Variation ID: 54385) is reported in the literature in two individuals affected with breast or ovarian cancer (Santonocito 2020) and in individuals included in a breast cancer or family history of breast cancer cohort (Boga 2023). This variant is only observed on one allele in the Genome Aggregation Database (v2.1.1), indicating it is not a common polymorphism. Computational analyses are uncertain whether this variant is neutral or deleterious (REVEL: 0.428). Due to limited information, the clinical significance of this variant is uncertain at this time. References: Boga I et al. A Multicenter Study of Genotype Variation/Demographic Patterns in 2475 Individuals Including 1444 Cases With Breast Cancer in Turkey. Eur J Breast Health. 2023 Jul 3;19(3):235-252. PMID: 37415649. Santonocito C et al. Spectrum of Germline BRCA1 and BRCA2 Variants Identified in 2351 Ovarian and Breast Cancer Patients Referring to a Reference Cancer Hospital of Rome. Cancers (Basel). 2020 May 19;12(5):1286. PMID: 32438681.

Ambry Genetics
Classification: Uncertain significance for Hereditary cancer-predisposing syndrome. Last evaluated: 2024-05-08. Review status: criteria provided, single submitter. Criteria: Ambry Variant Classification Scheme 2023. Collection method: clinical testing. Allele origin: germline.
Comment: The p.S632N variant (also known as c.1895G>A), located in coding exon 9 of the BRCA1 gene, results from a G to A substitution at nucleotide position 1895. The serine at codon 632 is replaced by asparagine, an amino acid with highly similar properties. This alteration has been identified in multiple individuals diagnosed with breast and/or ovarian cancer (Santonocito C et al. Cancers (Basel), 2020 May;12:; Boga I et al. Eur J Breast Health, 2023 Jul;19:235-252). This amino acid position is well conserved in available vertebrate species. In addition, the in silico prediction for this alteration is inconclusive. Based on the available evidence, the clinical significance of this variant remains unclear.

Women's Health and Genetics/Laboratory Corporation of America, LabCorp
Classification: Uncertain significance. Last evaluated: 2024-03-06. Review status: criteria provided, single submitter. Criteria: LabCorp Variant Classification Summary - May 2015. Collection method: clinical testing. Allele origin: germline.
Comment: Variant summary: BRCA1 c.1895G>A (p.Ser632Asn) results in a conservative amino acid change in the encoded protein sequence. Three of five in-silico tools predict a benign effect of the variant on protein function. The variant allele was found at a frequency of 4e-06 in 251112 control chromosomes (gnomAD). The available data on variant occurrences in the general population are insufficient to allow any conclusion about variant significance. c.1895G>A has been reported in the literature in individuals affected with Hereditary Breast And/or Ovarian Cancerwithout strong evidence for causality (examples: Tram_2013, Santonocito_2020, Bucalo_2023, Boga_2023). These report(s) do not provide unequivocal conclusions about association of the variant with Hereditary Breast And Ovarian Cancer Syndrome. Co-occurrences with other pathogenic variant(s) have been reported in BIC database (BRCA1 c.2071del, p.Arg691fs), providing supporting evidence for a benign role. One publication has reported this variant is located in a region where missense variants are unlikely to be pathogenic (Dines_2020). The following publications have been ascertained in the context of this evaluation (PMID: 37415649, 35165121, 32438681, 23704879, 31911673). ClinVar contains an entry for this variant (Variation ID: 54385). Based on the evidence outlined above, the variant was classified as VUS-possibly benign.

GeneDx
Classification: Uncertain significance. Last evaluated: 2024-02-26. Review status: criteria provided, single submitter. Criteria: GeneDx Variant Classification Process June 2021. Collection method: clinical testing. Allele origin: germline. Affected: yes.
Comment: In silico analysis supports that this missense variant has a deleterious effect on protein structure/function; Observed in individual(s) with breast and/or ovarian cancer (PMID: 32438681); Not observed at significant frequency in large population cohorts (gnomAD); Also known as 2014G>A; This variant is associated with the following publications: (PMID: 12531920, 15235020, 16518693, 23704879, 10923033, 15343273, 32438681)

All of Us Research Program, National Institutes of Health
Classification: Uncertain significance for Breast-ovarian cancer, familial, susceptibility to, 1. Last evaluated: 2023-07-22. Review status: criteria provided, single submitter. Criteria: ACMG Guidelines, 2015. Collection method: clinical testing. Allele origin: germline. Inheritance: Autosomal dominant inheritance. Observed: 2 variant alleles, 2 heterozygotes.
Comment: This missense variant replaces serine with asparagine at codon 632 of the BRCA1 protein. Computational prediction suggests that this variant may not impact protein structure and function (internally defined REVEL score threshold <= 0.5, PMID: 27666373). To our knowledge, functional studies have not been reported for this variant. This variant has been reported in 2 individuals affected with breast or ovarian cancer (PMID: 32438681) and in a breast cancer case-control meta-analysis in 1/60466 cases and 0/53461 unaffected individuals (PMID: 33471991; Leiden Open Variation Database DB-ID BRCA1_000173). This variant has been identified in 1/251112 chromosomes in the general population by the Genome Aggregation Database (gnomAD). The available evidence is insufficient to determine the role of this variant in disease conclusively. Therefore, this variant is classified as a Variant of Uncertain Significance.

This study involves interpretation of variants in research participants for the purpose of population health screening. Participant phenotype was not available at the time of variant classification. Additional details can be found in publication PMID: 35346344, PMCID: PMC8962531

University of Washington Department of Laboratory Medicine, University of Washington
Classification: Likely benign for Hereditary cancer-predisposing syndrome. Last evaluated: 2023-03-23. Review status: criteria provided, single submitter. Criteria: Dines et al. (Genet Med. 2020). Collection method: curation. Allele origin: germline.
Comment: Missense variant in a coldspot region where missense variants are very unlikely to be pathogenic (PMID:31911673).

BRCA1 coldspot (exon 11 using historical exon numbering). Reclassification based on statistical prior probability

PreventionGenetics, part of Exact Sciences
Classification: Uncertain significance for BRCA1-related condition. Last evaluated: 2022-11-11. Review status: criteria provided, single submitter. Criteria: ACMG Guidelines, 2015. Collection method: clinical testing. Allele origin: germline.
Comment: The BRCA1 c.1895G>A variant is predicted to result in the amino acid substitution p.Ser632Asn. This variant has been reported in two individuals with breast and/or ovarian cancer (Table 2, Santonocito et al. 2020. PubMed ID: 32438681). It has also been reported as clinically significant in an in silico variant interpretation study (Table S3, Tram et al 2013. PubMed ID: 23704879). This variant is reported in 1 of ~251,000 of alleles in gnomAD and has conflicting interpretations of benign and uncertain significance). At this time, the clinical significance of this variant is uncertain due to the absence of conclusive functional and genetic evidence.

BRCAlab, Lund University
Classification: Likely benign for Breast-ovarian cancer, familial, susceptibility to, 1. Last evaluated: 2024-02-02. Review status: no assertion criteria provided. Collection method: clinical testing. Allele origin: germline. Affected: yes. Not counted in ClinVar's aggregate classification.

Breast Cancer Information Core (BIC) (BRCA1)
Classification: Uncertain significance for Breast-ovarian cancer, familial 1. Last evaluated: 1999-12-30. Review status: no assertion criteria provided. Collection method: clinical testing. Allele origin: germline. Affected: yes. Observed: 1 variant allele. Not counted in ClinVar's aggregate classification.

Literature cited by the submitters: PubMed 32438681 (cited by 4 submitters); PubMed 33471991 (cited by Color Diagnostics, LLC DBA Color Health and All of Us Research Program, National Institutes of Health); PubMed 37415649 (cited by Ambry Genetics and Women's Health and Genetics/Laboratory Corporation of America, LabCorp); PubMed 23704879 (cited by Women's Health and Genetics/Laboratory Corporation of America, LabCorp); PubMed 31911673 (cited by Women's Health and Genetics/Laboratory Corporation of America, LabCorp); PubMed 35165121 (cited by Women's Health and Genetics/Laboratory Corporation of America, LabCorp).